The following is an entry in ClinVar:

NM_020738.4(KIDINS220):c.2020A>G (p.Ile674Val)

Gene: KIDINS220 (kinase D interacting substrate 220; minus strand). Cytogenetic location: 2p25.1.
Variant type: single nucleotide variant.
Coding change: c.2020A>G on transcript NM_020738.4 (MANE Select); coding-DNA position 2020, A replaced by G.
Protein change: p.Ile674Val; replaces isoleucine 674 with valine.
Molecular consequence: missense variant. On other transcripts: non-coding transcript variant (2).
Genome position (GRCh38, 1-based): chr2:8,785,950, T>C on the plus strand (A>G on the coding strand, the complement: KIDINS220 is on the minus strand). VCF-style: chr2-8785950-T-C. GRCh37 (hg19) VCF-style: chr2-8926080-T-C.
Other names: c.2020A>G, p.Ile674Val (NM_001348742.2, NM_001348743.2, NM_001348732.2 and 3 more transcripts); c.2023A>G, p.Ile675Val (NM_001348745.2, NM_001348729.2, NM_001348731.2 and 3 more transcripts); c.1894A>G, p.Ile632Val (NM_001348736.2); short protein forms I632V, I674V, I675V.
Identifiers: ClinVar variation 3617753 (VCV003617753.2).

ClinVar aggregate classification (germline): Uncertain significance (1 of 4 stars; one submission).

gnomAD v4.1: 4 of 1,613,912 alleles (0.00025%); highest among the groups gnomAD compares: East Asian, 0.0022%; no homozygotes.

Submission:

Labcorp Genetics (formerly Invitae), Labcorp
Classification: Uncertain significance. Last evaluated: 2024-05-31. Review status: criteria provided, single submitter. Criteria: Invitae Variant Classification Sherloc (09022015). Collection method: clinical testing. Allele origin: germline.
Comment: This sequence change replaces isoleucine, which is neutral and non-polar, with valine, which is neutral and non-polar, at codon 674 of the KIDINS220 protein (p.Ile674Val). This variant is not present in population databases (gnomAD no frequency). This variant has not been reported in the literature in individuals affected with KIDINS220-related conditions. Algorithms developed to predict the effect of missense changes on protein structure and function output the following: SIFT: "Not Available"; PolyPhen-2: "Benign"; Align-GVGD: "Not Available". The valine amino acid residue is found in multiple mammalian species, which suggests that this missense change does not adversely affect protein function. In summary, the available evidence is currently insufficient to determine the role of this variant in disease. Therefore, it has been classified as a Variant of Uncertain Significance.